The following is an entry in ClinVar:

ClinVar aggregate classification (germline): Benign (1 of 4 stars; one submission).

Submission:

GeneDx
Classification: Benign. Last evaluated: 2020-07-15. Review status: criteria provided, single submitter. Criteria: GeneDx Variant Classification Process June 2021. Collection method: clinical testing. Allele origin: germline. Affected: yes.
Comment: This variant is associated with the following publications: (PMID: 31956453, 22829467)

NM_001304561.2(BTNL2):c.451del (p.His151fs)

Genes: BTNL2 (butyrophilin like 2), TSBP1-AS1 (TSBP1 and BTNL2 antisense RNA 1). Cytogenetic location: 6p21.32.
Variant type: Deletion.
Coding change: c.451del on transcript NM_001304561.2 (MANE Select); coding-DNA position 451, one base deleted.
Protein change: p.His151fs; shifts the reading frame from histidine 151.
Molecular consequence: frameshift variant.
Genome position: GRCh38 VCF-style: chr6-32403192-TG-T. GRCh37 (hg19) VCF-style: chr6-32370969-TG-T.
Other names: short protein forms H151fs.
Identifiers: ClinVar variation 1271189 (VCV001271189.1), dbSNP rs60740710, ClinGen allele CA3741462.
Genomic context (GRCh38, chr6:32,403,192, plus strand): 5'-GGGAACCAGCCCCTTGCAGTGCACACAAGCTGGACTCCACTCTCCCCAGGTCCCTCCATG[TG>T]GATGCTAGGGGCAGACCCCAGACCTGCAGAGGGAAGCCACAGCTCTGACACCCAGAGCCC-3'